The following is an entry in ClinVar:

ClinVar aggregate classification (germline): Likely benign. Review status: reviewed by expert panel (3 of 4 stars). 3 submissions from 3 submitters: Likely benign (1). 2 of the submissions do not count toward it. Last evaluated 2024-12-17.

Conditions:
Glanzmann thrombasthenia. Also called: BLEEDING DISORDER, PLATELET-TYPE, 2; THROMBASTHENIA OF GLANZMANN AND NAEGELI; PLATELET GLYCOPROTEIN IIb-IIIa DEFICIENCY; Thrombasthenia; Glanzmann's thrombasthenia. Identifiers: Orphanet 849, MedGen C0040015, MONDO:0100326.

Allele frequency attached by ClinVar (database versions not stated): ExAC 0.00001; gnomAD exomes 0.00002 and 0.00007; TOPMed 0.00003; gnomAD 0.00005 and 0.00006.
gnomAD v4.1: 103 of 1,613,938 alleles (0.0064%); highest among the groups gnomAD compares: African/African-American, 0.011%; no homozygotes.

Submissions (3):

ClinGen Platelet Disorders Variant Curation Expert Panel, ClinGen
Classification: Likely benign for Glanzmann thrombasthenia. Last evaluated: 2024-12-17. Review status: reviewed by expert panel. Criteria: ClinGen Platelet ACMG Specifications v2-1. Collection method: curation. Allele origin: germline. Inheritance: Autosomal recessive inheritance.
Comment: The c.2862G>A (p.Val954=) variant is a synonymous variant that is not predicted by SpliceAI to impact splicing. In addition, it occurs at a nucleotide that is not highly conserved as shown by phyloP score of 1.07117 (BP7 and BP4). This variant was observed by Illumina as part of a predisposition screen in an ostensibly healthy population, however, it is not found in the literature to segregate in any GT patients. In summary, this variant meets the criteria to be classified as Likely benign for autosomal recessive Glanzmann Thrombasthenia based on the ACMG/AMP criteria applied, as specified by the ClinGen PD VCEP: BP4 and BP7 (VCEP specifications version 2; date of approval 12/17/2024).

Labcorp Genetics (formerly Invitae), Labcorp
Classification: Likely benign for Glanzmann thrombasthenia. Last evaluated: 2025-11-22. Review status: criteria provided, single submitter. Criteria: Invitae Variant Classification Sherloc (09022015). Collection method: clinical testing. Allele origin: germline. Not counted in ClinVar's aggregate classification.

Illumina Laboratory Services, Illumina
Classification: Uncertain significance for Glanzmann thrombasthenia 1. Last evaluated: 2018-01-12. Review status: criteria provided, single submitter. Criteria: ICSL Variant Classification Criteria 13 December 2019. Collection method: clinical testing. Allele origin: germline. Not counted in ClinVar's aggregate classification.

NM_000419.5(ITGA2B):c.2862G>A (p.Val954=)

Gene: ITGA2B (integrin subunit alpha 2b; minus strand). Cytogenetic location: 17q21.31.
Variant type: single nucleotide variant.
Coding change: c.2862G>A on transcript NM_000419.5 (MANE Select); coding-DNA position 2862, G replaced by A.
Protein change: p.Val954=; no amino-acid change (valine 954 retained).
Molecular consequence: synonymous variant.
Genome position (GRCh38, 1-based): chr17:44,374,740, C>T on the plus strand (G>A on the coding strand, the complement: ITGA2B is on the minus strand). VCF-style: chr17-44374740-C-T. GRCh37 (hg19) VCF-style: chr17-42452108-C-T.
Other names: NM_000419.5(ITGA2B):c.2862G>A; p.Val954=.
Identifiers: ClinVar variation 892241 (VCV000892241.8), dbSNP rs201119421, ClinGen allele CA8602549.